The following is an entry in ClinVar:

ClinVar aggregate classification (germline): Uncertain significance (1 of 4 stars; one submission).

Conditions:
Joubert syndrome 16 (JBTS16). Identifiers: Orphanet 2318, MedGen C3280906, MONDO:0013764, OMIM 614465.

Submission:

Labcorp Genetics (formerly Invitae), Labcorp
Classification: Uncertain significance for Joubert syndrome 16. Last evaluated: 2022-02-10. Review status: criteria provided, single submitter. Criteria: Invitae Variant Classification Sherloc (09022015). Collection method: clinical testing. Allele origin: germline.
Comment: Algorithms developed to predict the effect of missense changes on protein structure and function are either unavailable or do not agree on the potential impact of this missense change (SIFT: "Deleterious"; PolyPhen-2: "Probably Damaging"; Align-GVGD: "Class C0"). This variant has not been reported in the literature in individuals affected with TMEM138-related conditions. This variant is not present in population databases (gnomAD no frequency). This sequence change replaces leucine, which is neutral and non-polar, with glutamine, which is neutral and polar, at codon 70 of the TMEM138 protein (p.Leu70Gln). In summary, the available evidence is currently insufficient to determine the role of this variant in disease. Therefore, it has been classified as a Variant of Uncertain Significance.

NM_016464.5(TMEM138):c.209T>A (p.Leu70Gln)

Gene: TMEM138 (transmembrane protein 138; plus strand). Cytogenetic location: 11q12.2.
Variant type: single nucleotide variant.
Coding change: c.209T>A on transcript NM_016464.5 (MANE Select); coding-DNA position 209, T replaced by A.
Protein change: p.Leu70Gln; replaces leucine 70 with glutamine.
Molecular consequence: missense variant. On other transcripts: non-coding transcript variant (1).
Genome position (GRCh38, 1-based): chr11:61,366,125, T>A. VCF-style: chr11-61366125-T-A. GRCh37 (hg19) VCF-style: chr11-61133597-T-A.
Other names: c.35T>A, p.Leu12Gln (NM_001330281.2); short protein forms L12Q, L70Q.
Identifiers: ClinVar variation 1360135 (VCV001360135.8), dbSNP rs2135158062, ClinGen allele CA380678987.
Genomic context (GRCh38, chr11:61,366,125, plus strand): 5'-TCTTCAACATCATCATCATTTTCCTCATGTTCTTCAACACCTTCGTCTTCCAGGCTGGCC[T>A]GGTCAACCTCCTATTCCATAAGTTCAAAGGGACCATCATCCTGACAGCTGTGTACTTTGC-3'
Protein context (NP_057548.1, residues 60-80): FFNTFVFQAG[Leu70Gln]VNLLFHKFKG